The following is an entry in ClinVar:

NM_001385641.1(SAMD11):c.2150dup (p.Leu718fs)

Genes: SAMD11 (sterile alpha motif domain containing 11; plus strand), LOC129929063 (ATAC-STARR-seq lymphoblastoid active region 4; plus strand). Cytogenetic location: 1p36.33.
Variant type: Duplication.
Coding change: c.2150dup on transcript NM_001385641.1 (MANE Select); coding-DNA position 2150, one base duplicated (G; older notation c.2150dupG).
Protein change: p.Leu718fs; shifts the reading frame from leucine 718.
Molecular consequence: frameshift variant.
Genome position (GRCh38, 1-based): chr1:943,349, G duplicated; the last of 6 consecutive G bases (chr1:943,344-943,349); duplicating any one gives the same sequence. VCF-style (leftmost placement, unchanged base first): chr1-943343-T-TG. GRCh37 (hg19) VCF-style: chr1-878723-T-TG.
Other names: c.2153dup, p.Leu719fs (NM_001385640.1); c.1661dup, p.Leu555fs (NM_152486.4); short protein forms L555fs, L718fs, L719fs.
Identifiers: ClinVar variation 1422736 (VCV001422736.5), dbSNP rs763211155, ClinGen allele CA503166.
Genomic context (GRCh38, chr1:943,343, plus strand): 5'-AGGAGGCCCCAGCCCCTGAGGACGTCACCAAGTGGACCGTGGATGACGTCTGCAGCTTCG[T>TG]GGGGGGCCTGTCTGGCTGTGGAGAGTACACTCGGGTAAGGGGGGGCCCCAGTTCCTGGGG-3'

ClinVar aggregate classification (germline): Uncertain significance. Review status: criteria provided, multiple submitters, no conflicts (2 of 4 stars). 2 submissions from 2 submitters: Uncertain significance (2). Last evaluated 2022-06-24.

Submissions (2):

Blueprint Genetics
Classification: Uncertain significance. Last evaluated: 2022-06-24. Review status: criteria provided, single submitter. Criteria: ACMG Guidelines, 2015. Collection method: clinical testing. Allele origin: germline.

Labcorp Genetics (formerly Invitae), Labcorp
Classification: Uncertain significance. Last evaluated: 2021-08-27. Review status: criteria provided, single submitter. Criteria: Invitae Variant Classification Sherloc (09022015). Collection method: clinical testing. Allele origin: germline.
Comment: In summary, the available evidence is currently insufficient to determine the role of this variant in disease. Therefore, it has been classified as a Variant of Uncertain Significance. This variant has not been reported in the literature in individuals with SAMD11-related conditions. This variant is present in population databases (rs763211155, ExAC 0.005%). This sequence change results in a frameshift in the SAMD11 gene (p.Leu555Profs*186). While this is not anticipated to result in nonsense mediated decay, it is expected to disrupt the last 127 amino acid(s) of the SAMD11 protein and extend the protein by 58 additional amino acid residues.